The following is an entry in ClinVar:

NM_001370259.2(MEN1):c.217G>T (p.Gly73Cys)

Gene: MEN1 (menin 1; minus strand). Cytogenetic location: 11q13.1.
Variant type: single nucleotide variant.
Coding change: c.217G>T on transcript NM_001370259.2 (MANE Select); coding-DNA position 217, G replaced by T.
Protein change: p.Gly73Cys; replaces glycine 73 with cysteine.
Molecular consequence: missense variant.
Genome position (GRCh38, 1-based): chr11:64,809,893, C>A on the plus strand (G>T on the coding strand, the complement: MEN1 is on the minus strand). VCF-style: chr11-64809893-C-A. GRCh37 (hg19) VCF-style: chr11-64577365-C-A.
Other names: c.217G>T, p.Gly73Cys (NM_130799.3, NM_130800.3, NM_130801.3 and 20 more transcripts); short protein forms G73C.
Identifiers: ClinVar variation 2075010 (VCV002075010.4), dbSNP rs1307245127, ClinGen allele CA381187628.

ClinVar aggregate classification (germline): Uncertain significance (1 of 4 stars; one submission).

Conditions:
Multiple endocrine neoplasia, type 1 (MEN1). Also called: Endocrine adenomatosis multiple; MEN 1; MEN I; WERMER SYNDROME; MEA I. Identifiers: Orphanet 652, MedGen C0025267, MeSH D018761, MONDO:0007540, OMIM 131100.

Submission:

Labcorp Genetics (formerly Invitae), Labcorp
Classification: Uncertain significance for Multiple endocrine neoplasia, type 1. Last evaluated: 2022-09-14. Review status: criteria provided, single submitter. Criteria: Invitae Variant Classification Sherloc (09022015). Collection method: clinical testing. Allele origin: germline.
Comment: In summary, the available evidence is currently insufficient to determine the role of this variant in disease. Therefore, it has been classified as a Variant of Uncertain Significance. Advanced modeling of protein sequence and biophysical properties (such as structural, functional, and spatial information, amino acid conservation, physicochemical variation, residue mobility, and thermodynamic stability) performed at Invitae indicates that this missense variant is expected to disrupt MEN1 protein function. This variant has not been reported in the literature in individuals affected with MEN1-related conditions. This variant is not present in population databases (gnomAD no frequency). This sequence change replaces glycine, which is neutral and non-polar, with cysteine, which is neutral and slightly polar, at codon 73 of the MEN1 protein (p.Gly73Cys).